The following is an entry in ClinVar:

NM_020832.3(ZNF687):c.3461G>C (p.Arg1154Pro)

Gene: ZNF687 (zinc finger protein 687; plus strand). Cytogenetic location: 1q21.3.
Variant type: single nucleotide variant.
Coding change: c.3461G>C on transcript NM_020832.3 (MANE Select); coding-DNA position 3461, G replaced by C.
Protein change: p.Arg1154Pro; replaces arginine 1154 with proline.
Molecular consequence: missense variant.
Genome position (GRCh38, 1-based): chr1:151,290,956, G>C. VCF-style: chr1-151290956-G-C. GRCh37 (hg19) VCF-style: chr1-151263432-G-C.
Other names: c.3461G>C, p.Arg1154Pro (NM_001304763.2, NM_001304764.2); short protein forms R1154P.
Identifiers: ClinVar variation 4760148 (VCV004760148.1).

ClinVar aggregate classification (germline): Uncertain significance (1 of 4 stars; one submission).

gnomAD v4.1: 16 of 1,613,856 alleles (0.00099%); highest among the groups gnomAD compares: Non-Finnish European, 0.0013%; no homozygotes.

Submission:

Labcorp Genetics (formerly Invitae), Labcorp
Classification: Uncertain significance. Last evaluated: 2025-11-10. Review status: criteria provided, single submitter. Criteria: Invitae Variant Classification Sherloc (09022015). Collection method: clinical testing. Allele origin: germline.
Comment: This sequence change replaces arginine, which is basic and polar, with proline, which is neutral and non-polar, at codon 1154 of the ZNF687 protein (p.Arg1154Pro). This variant is not present in population databases (gnomAD no frequency). This variant has not been reported in the literature in individuals affected with ZNF687-related conditions. An algorithm developed to predict the effect of missense changes on protein structure and function (PolyPhen-2) suggests that this variant is likely to be disruptive. In summary, the available evidence is currently insufficient to determine the role of this variant in disease. Therefore, it has been classified as a Variant of Uncertain Significance.